The following is an entry in ClinVar:

ClinVar aggregate classification (germline): Conflicting classifications of pathogenicity. Review status: criteria provided, conflicting classifications (1 of 4 stars). 12 submissions from 12 submitters: Uncertain significance (1); Likely benign (7). 4 of the submissions do not count toward it. Last evaluated 2026-03-01.

Conditions:
SCN10A-related disorder. Also called: SCN10A-related condition.
Cardiovascular phenotype. Identifiers: MedGen CN230736.
Episodic pain syndrome, familial, 2 (FEPS2). Identifiers: Orphanet 306577, MedGen C3809893, MONDO:0014246, OMIM 615551.
Brugada syndrome. Also called: Sudden Unexplained Death Syndrome; Sudden Unexplained Nocturnal Death Syndrome (SUNDS); Sudden unexpected nocturnal death syndrome; Sudden unexplained nocturnal death syndrome. Identifiers: Orphanet 130, MedGen C1142166, MONDO:0015263.

Allele frequency attached by ClinVar (database versions not stated): TOPMed 0.00042; gnomAD 0.00055; ESP Exome Variant Server 0.00062.

Submissions (12):

CeGaT Center for Human Genetics Tuebingen
Classification: Likely benign. Last evaluated: 2026-03-01. Review status: criteria provided, single submitter. Criteria: CeGaT Center For Human Genetics Tuebingen Variant Classification Criteria Version 2. Collection method: clinical testing. Allele origin: germline. Affected: yes. Observed: 2 variant alleles.
Comment: SCN10A: BS2

Labcorp Genetics (formerly Invitae), Labcorp
Classification: Likely benign for Brugada syndrome. Last evaluated: 2026-01-26. Review status: criteria provided, single submitter. Criteria: Invitae Variant Classification Sherloc (09022015). Collection method: clinical testing. Allele origin: germline.

Women's Health and Genetics/Laboratory Corporation of America, LabCorp
Classification: Likely benign. Last evaluated: 2025-10-08. Review status: criteria provided, single submitter. Criteria: LabCorp Variant Classification Summary - May 2015. Collection method: clinical testing. Allele origin: germline.
Comment: Variant summary: SCN10A c.1138G>A (p.Val380Ile) results in a conservative amino acid change in the encoded protein sequence. Algorithms developed to predict the effect of missense changes on protein structure and function are either unavailable or do not agree on the potential impact of this missense change. The variant allele was found at a frequency of 0.00052 in 251340 control chromosomes, predominantly at a frequency of 0.0012 within the Finnish subpopulation in the gnomAD database. The observed variant frequency within Finnish control individuals in the gnomAD database exceeds the estimated maximal expected allele frequency for disease-causing variants in SCN10A. To our knowledge, no occurrence of c.1138G>A in individuals affected with SCN10A-related conditions and no experimental evidence demonstrating its impact on protein function have been reported. ClinVar contains an entry for this variant (Variation ID: 414629). Based on the evidence outlined above, the variant was classified as likely benign.

Mayo Clinic Laboratories, Mayo Clinic
Classification: Uncertain significance. Last evaluated: 2025-06-09. Review status: criteria provided, single submitter. Criteria: ACMG Guidelines, 2015. Collection method: clinical testing. Allele origin: germline. Observed: 1 variant allele.
Comment: BS2

Blueprint Genetics
Classification: Likely benign. Last evaluated: 2024-11-21. Review status: criteria provided, single submitter. Criteria: ACMG Guidelines, 2015. Collection method: clinical testing. Allele origin: germline.

Fulgent Genetics
Classification: Likely benign for Episodic pain syndrome, familial, 2. Last evaluated: 2021-08-12. Review status: criteria provided, single submitter. Criteria: ACMG Guidelines, 2015. Collection method: clinical testing. Allele origin: unknown.

GeneDx
Classification: Likely benign. Last evaluated: 2021-01-11. Review status: criteria provided, single submitter. Criteria: GeneDx Variant Classification Process June 2021. Collection method: clinical testing. Allele origin: germline. Affected: yes.

Ambry Genetics
Classification: Likely benign for Cardiovascular phenotype. Last evaluated: 2019-03-12. Review status: criteria provided, single submitter. Criteria: Ambry Variant Classification Scheme 2023. Collection method: clinical testing. Allele origin: germline.

PreventionGenetics, part of Exact Sciences
Classification: Likely benign for SCN10A-related condition. Last evaluated: 2019-03-28. Review status: no assertion criteria provided. Collection method: clinical testing. Allele origin: germline. Not counted in ClinVar's aggregate classification.
Comment: This variant is classified as likely benign based on ACMG/AMP sequence variant interpretation guidelines (Richards et al. 2015 PMID: 25741868, with internal and published modifications).

Clinical Genetics DNA and cytogenetics Diagnostics Lab, Erasmus MC, Erasmus Medical Center
Classification: Uncertain significance. Review status: no assertion criteria provided. Collection method: clinical testing. Allele origin: germline. Affected: yes. Study: VKGL Data-share Consensus. Not counted in ClinVar's aggregate classification.

Clinical Genetics, Academic Medical Center
Classification: Uncertain significance. Review status: no assertion criteria provided. Collection method: clinical testing. Allele origin: germline. Affected: yes. Study: VKGL Data-share Consensus. Not counted in ClinVar's aggregate classification.

Joint Genome Diagnostic Labs from Nijmegen and Maastricht, Radboudumc and MUMC+
Classification: Uncertain significance. Review status: no assertion criteria provided. Collection method: clinical testing. Allele origin: germline. Affected: yes. Study: VKGL Data-share Consensus. Not counted in ClinVar's aggregate classification.

NM_006514.4(SCN10A):c.1138G>A (p.Val380Ile)

Gene: SCN10A (sodium voltage-gated channel alpha subunit 10; minus strand). Cytogenetic location: 3p22.2.
Variant type: single nucleotide variant.
Coding change: c.1138G>A on transcript NM_006514.4 (MANE Select); coding-DNA position 1138, G replaced by A.
Protein change: p.Val380Ile; replaces valine 380 with isoleucine.
Molecular consequence: missense variant.
Genome position (GRCh38, 1-based): chr3:38,756,826, C>T on the plus strand (G>A on the coding strand, the complement: SCN10A is on the minus strand). VCF-style: chr3-38756826-C-T. GRCh37 (hg19) VCF-style: chr3-38798317-C-T.
Other names: p.Val380Ile; c.1138G>A, p.Val380Ile (NM_001293306.2, NM_001293307.2); short protein forms V380I.
Identifiers: ClinVar variation 414629 (VCV000414629.30), dbSNP rs142276689, ClinGen allele CA2320949.